The following is an entry in ClinVar:

ClinVar aggregate classification (germline): Uncertain significance (1 of 4 stars; one submission).

Submission:

Labcorp Genetics (formerly Invitae), Labcorp
Classification: Uncertain significance. Last evaluated: 2024-03-19. Review status: criteria provided, single submitter. Criteria: Invitae Variant Classification Sherloc (09022015). Collection method: clinical testing. Allele origin: germline.
Comment: This sequence change falls in intron 41 of the CACNA1F gene. It does not directly change the encoded amino acid sequence of the CACNA1F protein. It affects a nucleotide within the consensus splice site. This variant is present in population databases (rs782555535, gnomAD 0.005%). This variant has not been reported in the literature in individuals affected with CACNA1F-related conditions. Variants that disrupt the consensus splice site are a relatively common cause of aberrant splicing (PMID: 17576681, 9536098). Algorithms developed to predict the effect of sequence changes on RNA splicing suggest that this variant is not likely to affect RNA splicing. In summary, the available evidence is currently insufficient to determine the role of this variant in disease. Therefore, it has been classified as a Variant of Uncertain Significance.

Literature cited by the submitters: PubMed 17576681; PubMed 9536098.

NM_001256789.3(CACNA1F):c.4821+4T>G

Genes: CACNA1F (calcium voltage-gated channel subunit alpha1 F; minus strand), LOC126863257 (BRD4-independent group 4 enhancer GRCh37_chrX:49065732-49066931; plus strand). Cytogenetic location: Xp11.23.
Variant type: single nucleotide variant.
Coding change: c.4821+4T>G on transcript NM_001256789.3 (MANE Select); 4 bases into the intron after coding-DNA position 4821, T replaced by G.
Molecular consequence: intron variant.
Genome position (GRCh38, 1-based): chrX:49,209,625, A>C on the plus strand (T>G on the coding strand, the complement: CACNA1F is on the minus strand). VCF-style: chrX-49209625-A-C. GRCh37 (hg19) VCF-style: chrX-49066085-A-C.
Other names: c.4854+4T>G (NM_005183.4); c.4659+4T>G (NM_001256790.3).
Identifiers: ClinVar variation 3667836 (VCV003667836.2).